The following is an entry in ClinVar:

NM_002528.7(NTHL1):c.53G>C (p.Gly18Ala)

Gene: NTHL1 (nth like DNA glycosylase 1; minus strand). Cytogenetic location: 16p13.3.
Variant type: single nucleotide variant.
Coding change: c.53G>C on transcript NM_002528.7 (MANE Select); coding-DNA position 53, G replaced by C.
Protein change: p.Gly18Ala; replaces glycine 18 with alanine.
Molecular consequence: missense variant. On other transcripts: 5 prime UTR variant (1).
Genome position (GRCh38, 1-based): chr16:2,047,771, C>G on the plus strand (G>C on the coding strand, the complement: NTHL1 is on the minus strand). VCF-style: chr16-2047771-C-G. GRCh37 (hg19) VCF-style: chr16-2097772-C-G.
Other names: c.53G>C, p.Gly18Ala (NM_001318193.2); c.-126G>C (NM_001318194.2); short protein forms G18A.
Identifiers: ClinVar variation 4717028 (VCV004717028.1).

ClinVar aggregate classification (germline): Uncertain significance (1 of 4 stars; one submission).

Submission:

Labcorp Genetics (formerly Invitae), Labcorp
Classification: Uncertain significance. Last evaluated: 2025-04-10. Review status: criteria provided, single submitter. Criteria: Invitae Variant Classification Sherloc (09022015). Collection method: clinical testing. Allele origin: germline.
Comment: This sequence change replaces glycine, which is neutral and non-polar, with alanine, which is neutral and non-polar, at codon 26 of the NTHL1 protein (p.Gly26Ala). This variant is not present in population databases (gnomAD no frequency). This variant has not been reported in the literature in individuals affected with NTHL1-related conditions. An algorithm developed to predict the effect of missense changes on protein structure and function (PolyPhen-2) suggests that this variant is likely to be tolerated. In summary, the available evidence is currently insufficient to determine the role of this variant in disease. Therefore, it has been classified as a Variant of Uncertain Significance.